The following is an entry in ClinVar:

NM_173076.3(ABCA12):c.212T>A (p.Leu71Gln)

Gene: ABCA12 (ATP binding cassette subfamily A member 12; minus strand). Cytogenetic location: 2q35.
Variant type: single nucleotide variant.
Coding change: c.212T>A on transcript NM_173076.3 (MANE Select); coding-DNA position 212, T replaced by A.
Protein change: p.Leu71Gln; replaces leucine 71 with glutamine.
Molecular consequence: missense variant. On other transcripts: non-coding transcript variant (1).
Genome position (GRCh38, 1-based): chr2:215,064,171, A>T on the plus strand (T>A on the coding strand, the complement: ABCA12 is on the minus strand). VCF-style: chr2-215064171-A-T. GRCh37 (hg19) VCF-style: chr2-215928894-A-T.
Other names: short protein forms L71Q.
Identifiers: ClinVar variation 1335850 (VCV001335850.6), dbSNP rs776056801, ClinGen allele CA2092622.
Genomic context (GRCh38, chr2:215,064,171, plus strand): 5'-TCTTGTGGGCCATAGGGTGTGTCTTTGCATTTAGAGTCTGTGTCACAGAGTAGGGTCTGC[A>T]GGAATGGAAAGAATCCAGTACTAGGAAGGTTTCGAGGTGCGAGGTAACCTAAAATTAAAA-3'
Protein context (NP_775099.2, residues 61-81): NLPSTGFFPF[Leu71Gln]QTLLCDTDSK

ClinVar aggregate classification (germline): Conflicting classifications of pathogenicity. Review status: criteria provided, conflicting classifications (1 of 4 stars). 3 submissions from 3 submitters: Uncertain significance (1); Likely benign (2). Last evaluated 2025-05-23.

Conditions:
Inborn genetic diseases. Identifiers: MedGen C0950123, MeSH D030342.

Allele frequency attached by ClinVar (database versions not stated): gnomAD 0.00001 and 0.00002; gnomAD exomes 0.00009 and 0.00017; ExAC 0.00011; TOPMed 0.00011.
gnomAD v4.1: 55 of 1,612,922 alleles (0.0034%); highest among the groups gnomAD compares: Admixed American, 0.089%; no homozygotes.

Submissions (3):

Ambry Genetics
Classification: Likely benign for Inborn genetic diseases. Last evaluated: 2025-05-23. Review status: criteria provided, single submitter. Criteria: Ambry Variant Classification Scheme 2023. Collection method: clinical testing. Allele origin: germline.

Labcorp Genetics (formerly Invitae), Labcorp
Classification: Likely benign. Last evaluated: 2024-02-16. Review status: criteria provided, single submitter. Criteria: Invitae Variant Classification Sherloc (09022015). Collection method: clinical testing. Allele origin: germline.

GeneDx
Classification: Uncertain significance. Last evaluated: 2022-01-20. Review status: criteria provided, single submitter. Criteria: GeneDx Variant Classification Process June 2021. Collection method: clinical testing. Allele origin: germline. Affected: yes.
Comment: Has not been previously published as pathogenic or benign to our knowledge; In silico analysis supports that this missense variant does not alter protein structure/function